The following is an entry in ClinVar:

ClinVar aggregate classification (germline): Conflicting classifications of pathogenicity. Review status: criteria provided, conflicting classifications (1 of 4 stars). 4 submissions from 4 submitters: Likely pathogenic (2); Uncertain significance (2). Last evaluated 2026-03-17.

Conditions:
Hereditary hemorrhagic telangiectasia (HHT). Also called: Osler hemorrhagic telangiectasia syndrome; ORW DISEASE; Osler Weber Rendu syndrome; OSLER-RENDU-WEBER DISEASE. Identifiers: Orphanet 774, MedGen C0039445, MONDO:0019180. Disease mechanism: loss of function.
ENG-related disorder. Also called: ENG-related condition; ENG-related disorders.
Telangiectasia, hereditary hemorrhagic, type 1 (HHT1). Also called: Osler Weber Rendu syndrome type 1; ENG-Related Hereditary Hemorrhagic Telangiectasia. Identifiers: Orphanet 774, MedGen C4551861, MONDO:0008535, OMIM 187300. Disease mechanism: loss of function.

Allele frequency attached by ClinVar (database versions not stated): gnomAD exomes below 0.00001 and 0.00001; gnomAD 0.00001; ExAC 0.00002; TOPMed 0.00002; 1000 Genomes Project 30x 0.00016; 1000 Genomes Project 0.00020.
gnomAD v4.1: 9 of 1,614,060 alleles (0.00056%); highest among the groups gnomAD compares: South Asian, 0.0022%; no homozygotes.

Submissions (4):

GeneDx
Classification: Uncertain significance. Last evaluated: 2026-03-17. Review status: criteria provided, single submitter. Criteria: GeneDx Variant Classification Process June 2021. Collection method: clinical testing. Allele origin: germline. Affected: yes.
Comment: Not observed at significant frequency in large population cohorts (gnomAD); In silico analysis supports a deleterious effect on splicing; Has not been previously published as pathogenic or benign to our knowledge

Hereditary Cancer Clinic, Medical College of Georgia
Classification: Likely pathogenic for Telangiectasia, hereditary hemorrhagic, type 1. Last evaluated: 2025-10-09. Review status: criteria provided, single submitter. Criteria: ACMG Guidelines, 2015. Collection method: provider interpretation. Allele origin: germline. Inheritance: Autosomal dominant inheritance. Affected: yes. Observed: 1 heterozygote.
Comment: PS3 New splice acceptor variant detected with skipping of the adjacent exon, but in less than 100% of the transcripts from the allele. PM1 Functional domain (BMP9-binding domain). PM2 Very low population frequency. PP1 cosegregation in affected family members. PP4 Phenotype specific. BS2 Testing company reported the variant in four individuals who may not have had hereditary hemorrhagic telangiectasia.

Blueprint Genetics
Classification: Likely pathogenic for ENG-related disorders. Last evaluated: 2024-08-29. Review status: criteria provided, single submitter. Criteria: ACMG Guidelines, 2015. Collection method: clinical testing. Allele origin: germline. Affected: yes. Observed: 4 variant alleles.

Labcorp Genetics (formerly Invitae), Labcorp
Classification: Uncertain significance for Hereditary hemorrhagic telangiectasia. Last evaluated: 2024-08-04. Review status: criteria provided, single submitter. Criteria: Invitae Variant Classification Sherloc (09022015). Collection method: clinical testing. Allele origin: germline.
Comment: This sequence change falls in intron 1 of the ENG gene. It does not directly change the encoded amino acid sequence of the ENG protein. The frequency data for this variant in the population databases is considered unreliable, as metrics indicate poor data quality at this position in the gnomAD database. This variant has not been reported in the literature in individuals affected with ENG-related conditions. ClinVar contains an entry for this variant (Variation ID: 1190993). Algorithms developed to predict the effect of sequence changes on RNA splicing suggest that this variant may disrupt the consensus splice site. In summary, the available evidence is currently insufficient to determine the role of this variant in disease. Therefore, it has been classified as a Variant of Uncertain Significance.

NM_001114753.3(ENG):c.68-17G>A

Gene: ENG (endoglin; minus strand). Cytogenetic location: 9q34.11.
Variant type: single nucleotide variant.
Coding change: c.68-17G>A on transcript NM_001114753.3 (MANE Select); 17 bases into the intron before coding-DNA position 68, G replaced by A.
Molecular consequence: intron variant.
Genome position (GRCh38, 1-based): chr9:127,843,262, C>T on the plus strand (G>A on the coding strand, the complement: ENG is on the minus strand). VCF-style: chr9-127843262-C-T. GRCh37 (hg19) VCF-style: chr9-130605541-C-T.
Other names: c.68-17G>A (NM_000118.4, NM_001406715.1, NM_001114753.1); c.-479-17G>A (NM_001278138.2).
Identifiers: ClinVar variation 1190993 (VCV001190993.14), dbSNP rs570198729, ClinGen allele CA5253238.
Genomic context (GRCh38, chr9:127,843,262, plus strand): 5'-GGGGCCCACAGGCTGAAGGTCACAATGGACTGTTTCTGCAAGACCTGTTGGAGAAACATC[C>T]GGAAAGAGGCCAGGTGAGAATAAGGTGATGACAATGACTCCTACTTTCCAAACGTCTCCT-3'